The following is an entry in ClinVar:

ClinVar aggregate classification (germline): Conflicting classifications of pathogenicity. Review status: criteria provided, conflicting classifications (1 of 4 stars). 3 submissions from 3 submitters: Likely pathogenic (1); Uncertain significance (2). Last evaluated 2025-10-19.

Conditions:
Autosomal recessive limb-girdle muscular dystrophy type 2L (LGMDR12). Also called: Limb-Girdle Muscular Dystrophy R12 Anoctamin-5-Related (LGMD-R12); Limb-girdle muscular dystrophy, type 2L; MUSCULAR DYSTROPHY, LIMB-GIRDLE, AUTOSOMAL RECESSIVE 12. Identifiers: Orphanet 206549, MedGen C1969785, MONDO:0012652, OMIM 611307.
Gnathodiaphyseal dysplasia (GDD). Also called: GNATHODIAPHYSEAL SCLEROSIS; OSTEOGENESIS IMPERFECTA WITH UNUSUAL SKELETAL LESIONS. Identifiers: Orphanet 53697, MedGen C1833736, MONDO:0008151, OMIM 166260.

Allele frequency attached by ClinVar (database versions not stated): gnomAD exomes below 0.00001; gnomAD 0.00001; TOPMed 0.00001.
gnomAD v4.1: 2 of 1,613,306 alleles (0.00012%); highest among the groups gnomAD compares: Admixed American, 0.0033%; no homozygotes.

Submissions (3):

Labcorp Genetics (formerly Invitae), Labcorp
Classification: Uncertain significance for Autosomal recessive limb-girdle muscular dystrophy type 2L; Gnathodiaphyseal dysplasia. Last evaluated: 2025-10-19. Review status: criteria provided, single submitter. Criteria: Invitae Variant Classification Sherloc (09022015). Collection method: clinical testing. Allele origin: germline.
Comment: This sequence change replaces arginine, which is basic and polar, with glycine, which is neutral and non-polar, at codon 213 of the ANO5 protein (p.Arg213Gly). This variant is present in population databases (no rsID available, gnomAD 0.003%). This variant has not been reported in the literature in individuals affected with ANO5-related conditions. ClinVar contains an entry for this variant (Variation ID: 450952). Invitae Evidence Modeling of protein sequence and biophysical properties (such as structural, functional, and spatial information, amino acid conservation, physicochemical variation, residue mobility, and thermodynamic stability) indicates that this missense variant is expected to disrupt ANO5 protein function with a positive predictive value of 95%. In summary, the available evidence is currently insufficient to determine the role of this variant in disease. Therefore, it has been classified as a Variant of Uncertain Significance.

Revvity Omics, Revvity
Classification: Uncertain significance. Last evaluated: 2025-02-03. Review status: criteria provided, single submitter. Criteria: ACMG Guidelines, 2015. Collection method: clinical testing. Allele origin: germline.

GeneDx
Classification: Likely pathogenic. Last evaluated: 2021-02-16. Review status: criteria provided, single submitter. Criteria: GeneDx Variant Classification Process June 2021. Collection method: clinical testing. Allele origin: germline. Affected: yes.
Comment: Not observed at a significant frequency in large population cohorts (Lek et al., 2016); In silico analysis supports that this missense variant has a deleterious effect on splicing; Has not been previously published as pathogenic or benign to our knowledge

NM_213599.3(ANO5):c.637A>G (p.Arg213Gly)

Gene: ANO5 (anoctamin 5; plus strand). Cytogenetic location: 11p14.3.
Variant type: single nucleotide variant.
Coding change: c.637A>G on transcript NM_213599.3 (MANE Select); coding-DNA position 637, A replaced by G.
Protein change: p.Arg213Gly; replaces arginine 213 with glycine.
Molecular consequence: missense variant.
Genome position (GRCh38, 1-based): chr11:22,227,575, A>G. VCF-style: chr11-22227575-A-G. GRCh37 (hg19) VCF-style: chr11-22249121-A-G.
Other names: c.634A>G, p.Arg212Gly (NM_001142649.2); short protein forms R213G, R212G.
Identifiers: ClinVar variation 450952 (VCV000450952.9), dbSNP rs1490746741, ClinGen allele CA379920077.
Genomic context (GRCh38, chr11:22,227,575, plus strand): 5'-AGACATCGGCAGGAGCTCTTCCTCATCGAAGATCAGGCAACCTTCTTTCCATCCTCATCA[A>G]GAAACAGAATTGTAGGTAGAGAAGACCTTTGGGCACATCCCTTCAAATACGAGATGTATG-3'
Protein context (NP_998764.1, residues 203-223): DQATFFPSSS[Arg213Gly]NRIVYYILSR